The following is an entry in ClinVar:

NM_173543.3(DZIP1L):c.883C>T (p.Leu295=)

Gene: DZIP1L (DAZ interacting zinc finger protein 1 like; minus strand). Cytogenetic location: 3q22.3.
Variant type: single nucleotide variant.
Coding change: c.883C>T on transcript NM_173543.3 (MANE Select); coding-DNA position 883, C replaced by T.
Protein change: p.Leu295=; no amino-acid change (leucine 295 retained).
Molecular consequence: synonymous variant.
Genome position (GRCh38, 1-based): chr3:138,088,495, G>A on the plus strand (C>T on the coding strand, the complement: DZIP1L is on the minus strand). VCF-style: chr3-138088495-G-A. GRCh37 (hg19) VCF-style: chr3-137807337-G-A.
Other names: c.883C>T, p.Leu295= (NM_001170538.1).
Identifiers: ClinVar variation 717203 (VCV000717203.13), dbSNP rs113935158, ClinGen allele CA2635117.

ClinVar aggregate classification (germline): Benign. Review status: criteria provided, multiple submitters, no conflicts (2 of 4 stars). 3 submissions from 3 submitters: Benign (2). 1 of the submissions does not count toward it. Last evaluated 2026-01-25.

Conditions:
DZIP1L-related disorder. Also called: DZIP1L-related condition.

Allele frequency attached by ClinVar (database versions not stated): gnomAD exomes 0.00081 and 0.00216; ExAC 0.00253; 1000 Genomes Project 0.00699; 1000 Genomes Project 30x 0.00781; gnomAD 0.00827 and 0.00896; TOPMed 0.00914; ESP Exome Variant Server 0.00930.

Submissions (3):

Labcorp Genetics (formerly Invitae), Labcorp
Classification: Benign. Last evaluated: 2026-01-25. Review status: criteria provided, single submitter. Criteria: Invitae Variant Classification Sherloc (09022015). Collection method: clinical testing. Allele origin: germline.

Breakthrough Genomics
Classification: Benign. Review status: criteria provided, single submitter. Criteria: ACMG Guidelines, 2015. Collection method: not provided. Allele origin: germline. Inheritance: Autosomal recessive inheritance. Affected: yes.

PreventionGenetics, part of Exact Sciences
Classification: Benign for DZIP1L-related condition. Last evaluated: 2019-05-29. Review status: no assertion criteria provided. Collection method: clinical testing. Allele origin: germline. Not counted in ClinVar's aggregate classification.
Comment: This variant is classified as benign based on ACMG/AMP sequence variant interpretation guidelines (Richards et al. 2015 PMID: 25741868, with internal and published modifications).